The following is an entry in ClinVar:

ClinVar aggregate classification (germline): Uncertain significance (1 of 4 stars; one submission).

Submission:

CeGaT Center for Human Genetics Tuebingen
Classification: Uncertain significance. Last evaluated: 2025-07-01. Review status: criteria provided, single submitter. Criteria: CeGaT Center For Human Genetics Tuebingen Variant Classification Criteria Version 2. Collection method: clinical testing. Allele origin: germline. Affected: yes. Observed: 1 variant allele.
Comment: IRF4: PM2, PP2, PP3

NM_002460.4(IRF4):c.115G>T (p.Gly39Trp)

Gene: IRF4 (interferon regulatory factor 4; plus strand). Cytogenetic location: 6p25.3.
Variant type: single nucleotide variant.
Coding change: c.115G>T on transcript NM_002460.4 (MANE Select); coding-DNA position 115, G replaced by T.
Protein change: p.Gly39Trp; replaces glycine 39 with tryptophan.
Molecular consequence: missense variant. On other transcripts: non-coding transcript variant (1).
Genome position (GRCh38, 1-based): chr6:393,267, G>T. VCF-style: chr6-393267-G-T. GRCh37 (hg19) VCF-style: chr6-393267-G-T.
Other names: c.115G>T, p.Gly39Trp (NM_001195286.2); short protein forms G39W.
Identifiers: ClinVar variation 4085257 (VCV004085257.8).